The following is an entry in ClinVar:

NM_032575.3(GLIS2):c.1474A>G (p.Thr492Ala)

Gene: GLIS2 (GLIS family zinc finger 2; plus strand). Cytogenetic location: 16p13.3.
Variant type: single nucleotide variant.
Coding change: c.1474A>G on transcript NM_032575.3 (MANE Select); coding-DNA position 1474, A replaced by G.
Protein change: p.Thr492Ala; replaces threonine 492 with alanine.
Molecular consequence: missense variant.
Genome position (GRCh38, 1-based): chr16:4,337,423, A>G. VCF-style: chr16-4337423-A-G. GRCh37 (hg19) VCF-style: chr16-4387424-A-G.
Other names: c.1474A>G, p.Thr492Ala (NM_001318918.2); short protein forms T492A.
Identifiers: ClinVar variation 167149 (VCV000167149.25), dbSNP rs8057701, ClinGen allele CA250300.
Genomic context (GRCh38, chr16:4,337,423, plus strand): 5'-TGCTCCCGGCCAAGCCCCGATGGACTCCCCCTGCTGCCAGGCACCGTGCTGGACCTGTCC[A>G]CGGGCGTCAACTCAGCTGCCAGCAGCCCAGAGGCGTTGGCCCCTGGCTGGGTGGTCATCC-3'
Protein context (NP_115964.2, residues 482-502): LLPGTVLDLS[Thr492Ala]GVNSAASSPE

ClinVar aggregate classification (germline): Benign/Likely benign. Review status: criteria provided, multiple submitters, no conflicts (2 of 4 stars). 8 submissions from 8 submitters: Benign (7); Likely benign (1). Last evaluated 2026-01-28.

Conditions:
Nephronophthisis. Also called: Juvenile Nephronophthisis. Identifiers: Orphanet 655, MedGen C0687120, MONDO:0019005, HP:0000090.
Nephronophthisis 7 (NPHP7). Identifiers: Orphanet 655, MedGen C1969092, MONDO:0012680, OMIM 611498.

Allele frequency attached by ClinVar (database versions not stated): gnomAD exomes 0.03348 and 0.03729; ExAC 0.06138; ESP Exome Variant Server 0.06182; gnomAD 0.06187 and 0.06483; 1000 Genomes Project 0.06190; 1000 Genomes Project 30x 0.06543; TOPMed 0.06775.
gnomAD v4.1: 63,008 of 1,584,644 alleles (4%); highest among the groups gnomAD compares: African/African-American, 14%; 1,809 homozygotes.

Submissions (8):

Labcorp Genetics (formerly Invitae), Labcorp
Classification: Benign for Nephronophthisis. Last evaluated: 2026-01-28. Review status: criteria provided, single submitter. Criteria: Invitae Variant Classification Sherloc (09022015). Collection method: clinical testing. Allele origin: germline.

Blueprint Genetics
Classification: Likely benign. Last evaluated: 2024-11-27. Review status: criteria provided, single submitter. Criteria: ACMG Guidelines, 2015. Collection method: clinical testing. Allele origin: germline.

Mayo Clinic Laboratories, Mayo Clinic
Classification: Benign. Last evaluated: 2022-03-09. Review status: criteria provided, single submitter. Criteria: ACMG Guidelines, 2015. Collection method: clinical testing. Allele origin: germline. Observed: 20 variant alleles.

GeneDx
Classification: Benign. Last evaluated: 2018-07-14. Review status: criteria provided, single submitter. Criteria: GeneDx Variant Classification Process June 2021. Collection method: clinical testing. Allele origin: germline. Affected: yes.

Illumina Laboratory Services, Illumina
Classification: Benign for Nephronophthisis 7. Last evaluated: 2018-01-13. Review status: criteria provided, single submitter. Criteria: ICSL Variant Classification Criteria 13 December 2019. Collection method: clinical testing. Allele origin: germline.
Comment: This variant was observed in the ICSL laboratory as part of a predisposition screen in an ostensibly healthy population. It had not been previously curated by ICSL or reported in the Human Gene Mutation Database (HGMD: prior to June 1st, 2018), and was therefore a candidate for classification through an automated scoring system. Utilizing variant allele frequency, disease prevalence and penetrance estimates, and inheritance mode, an automated score was calculated to assess if this variant is too frequent to cause the disease. Based on the score and internal cut-off values, a variant classified as benign is not then subjected to further curation. The score for this variant resulted in a classification of benign for this disease.

Eurofins Ntd Llc (ga)
Classification: Benign. Last evaluated: 2014-04-03. Review status: criteria provided, single submitter. Criteria: EGL Classification Definitions 2015. Collection method: clinical testing. Allele origin: germline. Observed: 1 variant allele, 1 heterozygote.

Breakthrough Genomics
Classification: Benign. Review status: criteria provided, single submitter. Criteria: ACMG Guidelines, 2015. Collection method: not provided. Allele origin: germline. Inheritance: Unknown mechanism. Affected: yes.

PreventionGenetics, part of Exact Sciences
Classification: Benign. Review status: criteria provided, single submitter. Criteria: ACMG Guidelines, 2015. Collection method: clinical testing. Allele origin: germline.